The following is an entry in ClinVar:

ClinVar aggregate classification (germline): Benign/Likely benign. Review status: criteria provided, multiple submitters, no conflicts (2 of 4 stars). 3 submissions from 3 submitters: Benign (1); Likely benign (2). Last evaluated 2026-01-06.

Conditions:
Methylcobalamin deficiency type cblE (HMAE). Also called: HOMOCYSTINURIA-MEGALOBLASTIC ANEMIA, cblE COMPLEMENTATION TYPE; VITAMIN B12-RESPONSIVE HOMOCYSTINURIA, cblE TYPE; HOMOCYSTINURIA-MEGALOBLASTIC ANEMIA, cblE TYPE. Identifiers: Orphanet 2169, Orphanet 622, MedGen C1856057, MONDO:0009354, OMIM 236270.

Allele frequency attached by ClinVar (database versions not stated): 1000 Genomes Project 0.00020; TOPMed 0.00023; ExAC 0.00090; gnomAD exomes 0.00090; gnomAD 0.00015 and 0.00016; 1000 Genomes Project 30x 0.00016.
gnomAD v4.1: 271 of 1,613,754 alleles (0.017%); highest among the groups gnomAD compares: Admixed American, 0.44%; 2 homozygotes.

Submissions (3):

Labcorp Genetics (formerly Invitae), Labcorp
Classification: Benign for Methylcobalamin deficiency type cblE. Last evaluated: 2026-01-06. Review status: criteria provided, single submitter. Criteria: Invitae Variant Classification Sherloc (09022015). Collection method: clinical testing. Allele origin: germline.

CeGaT Center for Human Genetics Tuebingen
Classification: Likely benign. Last evaluated: 2025-12-01. Review status: criteria provided, single submitter. Criteria: CeGaT Center For Human Genetics Tuebingen Variant Classification Criteria Version 2. Collection method: clinical testing. Allele origin: germline. Affected: yes. Observed: 1 variant allele.
Comment: MTRR: BP4, BP7

GeneDx
Classification: Likely benign. Last evaluated: 2018-02-16. Review status: criteria provided, single submitter. Criteria: GeneDx Variant Classification (06012015). Collection method: clinical testing. Allele origin: germline. Affected: yes.
Comment: This variant is considered likely benign or benign based on one or more of the following criteria: it is a conservative change, it occurs at a poorly conserved position in the protein, it is predicted to be benign by multiple in silico algorithms, and/or has population frequency not consistent with disease.

NM_002454.3(MTRR):c.463A>C (p.Arg155=)

Gene: MTRR (5-methyltetrahydrofolate-homocysteine methyltransferase reductase; plus strand). Cytogenetic location: 5p15.31.
Variant type: single nucleotide variant.
Coding change: c.463A>C on transcript NM_002454.3 (MANE Select); coding-DNA position 463, A replaced by C.
Protein change: p.Arg155=; no amino-acid change (arginine 155 retained).
Molecular consequence: synonymous variant. On other transcripts: non-coding transcript variant (14).
Genome position (GRCh38, 1-based): chr5:7,878,005, A>C. VCF-style: chr5-7878005-A-C. GRCh37 (hg19) VCF-style: chr5-7878118-A-C.
Other names: c.463A>C, p.Arg155= (NM_001364440.2, NM_001364441.2, NM_001364442.2 and 1 more transcripts).
Identifiers: ClinVar variation 515504 (VCV000515504.16), dbSNP rs556611332, ClinGen allele CA3195609.
Genomic context (GRCh38, chr5:7,878,005, plus strand): 5'-TTAGAACTTGTGGTTGAGCCGTGGATTGCTGGACTCTGGCCAGCCCTCAGAAAGCATTTT[A>C]GGTCAAGCAGAGGACAAGAGGAGATAAGTGGCGCACTCCCGGTGGCATCACCTGCATCCT-3'
Protein context (NP_002445.2, residues 145-165): GLWPALRKHF[Arg155=]SSRGQEEISG